The following is an entry in ClinVar:

NM_018975.4(TERF2IP):c.760C>A (p.Leu254Ile)

Gene: TERF2IP (TERF2 interacting protein; plus strand). Cytogenetic location: 16q23.1.
Variant type: single nucleotide variant.
Coding change: c.760C>A on transcript NM_018975.4 (MANE Select); coding-DNA position 760, C replaced by A.
Protein change: p.Leu254Ile; replaces leucine 254 with isoleucine.
Molecular consequence: missense variant. On other transcripts: non-coding transcript variant (1).
Genome position (GRCh38, 1-based): chr16:75,654,362, C>A. VCF-style: chr16-75654362-C-A. GRCh37 (hg19) VCF-style: chr16-75688260-C-A.
Other names: short protein forms L254I.
Identifiers: ClinVar variation 1759779 (VCV001759779.2), dbSNP rs2507086522, ClinGen allele CA396819244.

ClinVar aggregate classification (germline): Uncertain significance (1 of 4 stars; one submission).

Submission:

Ambry Genetics
Classification: Uncertain significance. Last evaluated: 2022-04-19. Review status: criteria provided, single submitter. Criteria: Ambry Variant Classification Scheme 2023. Collection method: clinical testing. Allele origin: germline.
Comment: The p.L254I variant (also known as c.760C>A), located in coding exon 2 of the TERF2IP gene, results from a C to A substitution at nucleotide position 760. The leucine at codon 254 is replaced by isoleucine, an amino acid with highly similar properties. This amino acid position is conserved. In addition, this alteration is predicted to be tolerated by in silico analysis. Since supporting evidence is limited at this time, the clinical significance of this alteration remains unclear.